The following is an entry in ClinVar:

ClinVar aggregate classification (germline): Likely benign (1 of 4 stars; one submission).

Allele frequency attached by ClinVar (database versions not stated): 1000 Genomes Project 30x 0.00016; 1000 Genomes Project 0.00020; gnomAD 0.00050; TOPMed 0.00057; ExAC 0.00061; gnomAD exomes 0.00063; ESP Exome Variant Server 0.00077.
gnomAD v4.1: 988 of 1,614,022 alleles (0.061%); highest among the groups gnomAD compares: Non-Finnish European, 0.077%; no homozygotes.

Submission:

CeGaT Center for Human Genetics Tuebingen
Classification: Likely benign. Last evaluated: 2022-09-01. Review status: criteria provided, single submitter. Criteria: CeGaT Center For Human Genetics Tuebingen Variant Classification Criteria Version 2. Collection method: clinical testing. Allele origin: germline. Affected: yes. Observed: 1 variant allele.
Comment: TACC2: BP4, BP7

NM_206862.4(TACC2):c.8239C>T (p.Leu2747=)

Gene: TACC2 (transforming acidic coiled-coil containing protein 2; plus strand). Cytogenetic location: 10q26.13.
Variant type: single nucleotide variant.
Coding change: c.8239C>T on transcript NM_206862.4 (MANE Select); coding-DNA position 8239, C replaced by T.
Protein change: p.Leu2747=; no amino-acid change (leucine 2747 retained).
Molecular consequence: synonymous variant.
Genome position (GRCh38, 1-based): chr10:122,237,506, C>T. VCF-style: chr10-122237506-C-T. GRCh37 (hg19) VCF-style: chr10-123997021-C-T.
Other names: c.7873C>T, p.Leu2625= (NM_001291876.2); c.8020C>T, p.Leu2674= (NM_001291877.2); c.2419C>T, p.Leu807= (NM_001291878.2); c.1120C>T, p.Leu374= (NM_001291879.2); c.2473C>T, p.Leu825= (NM_006997.4); c.2383C>T, p.Leu795= (NM_206860.3); c.2677C>T, p.Leu893= (NM_206861.3).
Identifiers: ClinVar variation 2640902 (VCV002640902.24), dbSNP rs145179415, ClinGen allele CA5724343.
Genomic context (GRCh38, chr10:122,237,506, plus strand): 5'-TCCCGCATCGGGACCGCTGAGGTGGAGAAACCTGCAGGCCTTCTGTTCCAGCAGCCCGAC[C>T]TGGACTCTGCCCTCCAGATCGCCAGAGCAGAGGTATCGTGGCATGTGGTGTAATTACCCT-3'
Protein context (NP_996744.4, residues 2737-2757): PAGLLFQQPD[Leu2747=]DSALQIARAE